The following is an entry in ClinVar:

ClinVar aggregate classification (germline): Uncertain significance (1 of 4 stars; one submission).

Allele frequency attached by ClinVar (database versions not stated): gnomAD exomes below 0.00001.
gnomAD v4.1: 1 of 1,614,164 alleles (0.000062%); highest among the groups gnomAD compares: Non-Finnish European, 0.000085%; no homozygotes.

Submission:

GeneDx
Classification: Uncertain significance. Last evaluated: 2012-08-09. Review status: criteria provided, single submitter. Criteria: GeneDx Variant Classification (06012015). Collection method: clinical testing. Allele origin: germline. Affected: yes.
Comment: p.Gly977Val (GGA>GTA):c.2930 G>T in exon 18 of the CNTNAP2 gene (NM_014141.4). Mutations in CNTNAP2 cause autosomal recessive Pitt-Hopkins-like syndrome, which is characterized by intellectual disability, autism, early-onset epilepsy, dysmorphology, breathing abnormalities, and schizophrenia (Zweier et al., 2009; Gregor et al., 2011; Bakkaloglu et al., 2008). Additionally, a founder mutation (c.3709delG) in the Amish population causes a distinct autosomal recessive disorder resulting in cortical dysplasia and early-onset intractable focal epilepsy (Strauss et al., 2006). In families with autosomal recessive CNTNAP2-related disorders, heterozygous carriers have been reported to be unaffected (Strauss et al., 2006; Zweier et al., 2009). However, in other studies heterozygous mutations and deletions of CNTNAP2 have been reported to confer susceptibility to neuropsychiatric disorders, including intellectual disability, epilepsy, autism, and schizophrenia (Mikhail et al., 2011; O'Roak et al., 2011; Friedman et al., 2008; Bakkaloglu et al., 2008). These heterozygous variants may be inherited from an unaffected parent, indicating incomplete penetrance and providing evidence that additional genetic and/or environmental factors influence the phenotype (Elia et al., 2010; Gregor et al., 2011; Bakkaloglu et al., 2008; O'Roak et al., 2011; Mefford et al., 2010; Poot et al., 2010). CNTNAP2-related disorders are clinically variable, even among affected individuals within the same families (Zweier et al., 2009; Bakkaloglu et al., 2009). The variant is found in EPILEPSY panel(s).

NM_014141.6(CNTNAP2):c.2930G>T (p.Gly977Val)

Genes: CNTNAP2 (contactin associated protein 2; plus strand), LOC126860216 (BRD4-independent group 4 enhancer GRCh37_chr7:147868766-147869965; plus strand). Cytogenetic location: 7q35.
Variant type: single nucleotide variant.
Coding change: c.2930G>T on transcript NM_014141.6 (MANE Select); coding-DNA position 2930, G replaced by T.
Protein change: p.Gly977Val; replaces glycine 977 with valine.
Molecular consequence: missense variant.
Genome position (GRCh38, 1-based): chr7:148,172,398, G>T. VCF-style: chr7-148172398-G-T. GRCh37 (hg19) VCF-style: chr7-147869490-G-T.
Other names: p.G977V:GGA>GTA; short protein forms G977V.
Identifiers: ClinVar variation 205276 (VCV000205276.2), dbSNP rs796052381, ClinGen allele CA314186.